The following is an entry in ClinVar:

NM_000234.3(LIG1):c.2730C>G (p.Asp910Glu)

Gene: LIG1 (DNA ligase 1; minus strand). Cytogenetic location: 19q13.33.
Variant type: single nucleotide variant.
Coding change: c.2730C>G on transcript NM_000234.3 (MANE Select); coding-DNA position 2730, C replaced by G.
Protein change: p.Asp910Glu; replaces aspartic acid 910 with glutamic acid.
Molecular consequence: missense variant. On other transcripts: non-coding transcript variant (6).
Genome position (GRCh38, 1-based): chr19:48,115,679, G>C on the plus strand (C>G on the coding strand, the complement: LIG1 is on the minus strand). VCF-style: chr19-48115679-G-C. GRCh37 (hg19) VCF-style: chr19-48618936-G-C.
Other names: c.2637C>G, p.Asp879Glu (NM_001289063.2); c.2526C>G, p.Asp842Glu (NM_001289064.2); c.2727C>G, p.Asp909Glu (NM_001320970.2); c.2640C>G, p.Asp880Glu (NM_001320971.2); short protein forms D880E, D909E, D842E, D879E, D910E.
Identifiers: ClinVar variation 1977960 (VCV001977960.5), dbSNP rs2032745187, ClinGen allele CA406641401.
Genomic context (GRCh38, chr19:48,115,679, plus strand): 5'-CCTGTACCCAGGCCCTAGGAGGGCGAGGGCTTAGTAGGTATCTTCAGGGTCAGAGCCTGA[G>C]TCCTCGCCTTGTTGGTTCTGAATCTGACTTTGCTTCCGGTACAAACAGGCCACCTGCGGA-3'
Protein context (NP_000225.1, residues 900-919): QSQIQNQQGE[Asp910Glu]SGSDPEDTY

ClinVar aggregate classification (germline): Uncertain significance (1 of 4 stars; one submission).

gnomAD v4.1: 2 of 1,614,184 alleles (0.00012%); highest among the groups gnomAD compares: Admixed American, 0.0017%; no homozygotes.

Submission:

Labcorp Genetics (formerly Invitae), Labcorp
Classification: Uncertain significance. Last evaluated: 2021-12-07. Review status: criteria provided, single submitter. Criteria: Invitae Variant Classification Sherloc (09022015). Collection method: clinical testing. Allele origin: germline.
Comment: This sequence change replaces aspartic acid, which is acidic and polar, with glutamic acid, which is acidic and polar, at codon 910 of the LIG1 protein (p.Asp910Glu). This variant is not present in population databases (gnomAD no frequency). This variant has not been reported in the literature in individuals affected with LIG1-related conditions. Algorithms developed to predict the effect of missense changes on protein structure and function output the following: SIFT: "Tolerated"; PolyPhen-2: "Benign"; Align-GVGD: "Class C0". The glutamic acid amino acid residue is found in multiple mammalian species, which suggests that this missense change does not adversely affect protein function. In summary, the available evidence is currently insufficient to determine the role of this variant in disease. Therefore, it has been classified as a Variant of Uncertain Significance.